The following is an entry in ClinVar:

NM_001177693.2(ARHGEF28):c.237C>T (p.Tyr79=)

Gene: ARHGEF28 (Rho guanine nucleotide exchange factor 28; plus strand). Cytogenetic location: 5q13.2.
Variant type: single nucleotide variant.
Coding change: c.237C>T on transcript NM_001177693.2 (MANE Select); coding-DNA position 237, C replaced by T.
Protein change: p.Tyr79=; no amino-acid change (tyrosine 79 retained).
Molecular consequence: synonymous variant. On other transcripts: intron variant (1).
Genome position (GRCh38, 1-based): chr5:73,752,964, C>T. VCF-style: chr5-73752964-C-T. GRCh37 (hg19) VCF-style: chr5-73048789-C-T.
Other names: c.237C>T, p.Tyr79= (NM_001080479.3, NM_001388078.1); c.181+2980C>T (NM_001388076.1).
Identifiers: ClinVar variation 4999291 (VCV004999291.1).
Genomic context (GRCh38, chr5:73,752,964, plus strand): 5'-TCCAGGCCATGGGCTTCAGGAGACGGTGACGGTATCTGTGTGCCTCTGCTCGGAAGGTTA[C>T]TCTCCGGTGACCATGGGCTCTGGCTCAGTGACCTACGTGGACAACATGGCTTGCAGGCTG-3'
Protein context (NP_001171164.1, residues 69-89): TVSVCLCSEG[Tyr79=]SPVTMGSGSV

ClinVar aggregate classification (germline): Likely benign (1 of 4 stars; one submission).

Conditions:
ARHGEF28-related disorder. Also called: ARHGEF28-related condition.

gnomAD v4.1: 4 of 1,613,832 alleles (0.00025%); highest among the groups gnomAD compares: Admixed American, 0.0017%; no homozygotes.

Submission:

PreventionGenetics, part of Exact Sciences
Classification: Likely benign for ARHGEF28-related condition. Last evaluated: 2024-10-11. Review status: criteria provided, single submitter. Criteria: ACMG Guidelines, 2015. Collection method: clinical testing. Allele origin: germline.
Comment: This variant is classified as likely benign based on ACMG/AMP sequence variant interpretation guidelines (Richards et al. 2015 PMID: 25741868, with internal and published modifications).